The following is an entry in ClinVar:

NM_000494.4(COL17A1):c.3278-9C>G

Gene: COL17A1 (collagen type XVII alpha 1 chain; minus strand). Cytogenetic location: 10q25.1.
Variant type: single nucleotide variant.
Coding change: c.3278-9C>G on transcript NM_000494.4 (MANE Select); 9 bases into the intron before coding-DNA position 3278, C replaced by G.
Molecular consequence: intron variant.
Genome position (GRCh38, 1-based): chr10:104,036,641, G>C on the plus strand (C>G on the coding strand, the complement: COL17A1 is on the minus strand). VCF-style: chr10-104036641-G-C. GRCh37 (hg19) VCF-style: chr10-105796399-G-C.
Other names: c.3278-9C>G (LRG_1249t1).
Identifiers: ClinVar variation 256274 (VCV000256274.18), dbSNP rs2274098, ClinGen allele CA5678020.

ClinVar aggregate classification (germline): Benign. Review status: criteria provided, multiple submitters, no conflicts (2 of 4 stars). 7 submissions from 6 submitters: Benign (7). Last evaluated 2026-02-04.

Conditions:
Epithelial recurrent erosion dystrophy (ERED). Also called: CORNEAL EROSIONS, RECURRING HEREDITARY. Identifiers: Orphanet 293381, MedGen C1852551, MONDO:0007381, OMIM 122400.
Junctional epidermolysis bullosa, non-Herlitz type. Also called: Adult junctional epidermolysis bullosa; COL17A1-Related Junctional Epidermolysis Bullosa; Epidermolysis bullosa, junctional, non-herlitz type, somatic mosaic revertant; EPIDERMOLYSIS BULLOSA JUNCTIONALIS, DISENTIS TYPE; EPIDERMOLYSIS BULLOSA JUNCTIONALIS, NON-HERLITZ TYPE; EPIDERMOLYSIS BULLOSA JUNCTIONALIS, PROGRESSIVE. Identifiers: Orphanet 251393, Orphanet 79402, Orphanet 79405, Orphanet 89840, MedGen C0268374, MONDO:0009180, OMIM 226650.

Allele frequency attached by ClinVar (database versions not stated): 1000 Genomes Project 30x 0.68707; 1000 Genomes Project 0.69149; ESP Exome Variant Server 0.72290; TOPMed 0.72393; gnomAD 0.72589 and 0.72862; ExAC 0.78044; gnomAD exomes 0.78589 and 0.81779.
gnomAD v4.1: 1,304,498 of 1,612,920 alleles (81%); highest among the groups gnomAD compares: East Asian, 84%; 532,638 homozygotes.

Submissions (7):

Labcorp Genetics (formerly Invitae), Labcorp
Classification: Benign. Last evaluated: 2026-02-04. Review status: criteria provided, single submitter. Criteria: Invitae Variant Classification Sherloc (09022015). Collection method: clinical testing. Allele origin: germline.

Genome-Nilou Lab
Classification: Benign for Junctional epidermolysis bullosa, non-Herlitz type. Last evaluated: 2021-07-22. Review status: criteria provided, single submitter. Criteria: ACMG Guidelines, 2015. Collection method: clinical testing. Allele origin: germline. Affected: no.

Genome-Nilou Lab
Classification: Benign for Epithelial recurrent erosion dystrophy. Last evaluated: 2021-07-22. Review status: criteria provided, single submitter. Criteria: ACMG Guidelines, 2015. Collection method: clinical testing. Allele origin: germline. Affected: no.

Illumina Laboratory Services, Illumina
Classification: Benign for Junctional epidermolysis bullosa, non-Herlitz type. Last evaluated: 2018-01-13. Review status: criteria provided, single submitter. Criteria: ICSL Variant Classification Criteria 13 December 2019. Collection method: clinical testing. Allele origin: germline.
Comment: This variant was observed in the ICSL laboratory as part of a predisposition screen in an ostensibly healthy population. It had not been previously curated by ICSL or reported in the Human Gene Mutation Database (HGMD: prior to June 1st, 2018), and was therefore a candidate for classification through an automated scoring system. Utilizing variant allele frequency, disease prevalence and penetrance estimates, and inheritance mode, an automated score was calculated to assess if this variant is too frequent to cause the disease. Based on the score and internal cut-off values, a variant classified as benign is not then subjected to further curation. The score for this variant resulted in a classification of benign for this disease.

GeneDx
Classification: Benign. Last evaluated: 2015-03-03. Review status: criteria provided, single submitter. Criteria: GeneDx Variant Classification Process June 2021. Collection method: clinical testing. Allele origin: germline. Affected: yes.

Breakthrough Genomics
Classification: Benign. Review status: criteria provided, single submitter. Criteria: ACMG Guidelines, 2015. Collection method: not provided. Allele origin: germline. Inheritance: Autosomal recessive inheritance. Affected: yes.

PreventionGenetics, part of Exact Sciences
Classification: Benign. Review status: criteria provided, single submitter. Criteria: ACMG Guidelines, 2015. Collection method: clinical testing. Allele origin: germline.